The following is an entry in ClinVar:

NM_020702.5(MYORG):c.1469A>G (p.Tyr490Cys)

Gene: MYORG (myogenesis regulating glycosidase; minus strand). Cytogenetic location: 9p13.3.
Variant type: single nucleotide variant.
Coding change: c.1469A>G on transcript NM_020702.5 (MANE Select); coding-DNA position 1469, A replaced by G.
Protein change: p.Tyr490Cys; replaces tyrosine 490 with cysteine.
Molecular consequence: missense variant.
Genome position (GRCh38, 1-based): chr9:34,371,475, T>C on the plus strand (A>G on the coding strand, the complement: MYORG is on the minus strand). VCF-style: chr9-34371475-T-C. GRCh37 (hg19) VCF-style: chr9-34371473-T-C.
Other names: short protein forms Y490C.
Identifiers: ClinVar variation 1681295 (VCV001681295.7), dbSNP rs2131878793, ClinGen allele CA373241095.

ClinVar aggregate classification (germline): Uncertain significance. Review status: criteria provided, multiple submitters, no conflicts (2 of 4 stars). 2 submissions from 2 submitters: Uncertain significance (2). Last evaluated 2022-09-01.

Conditions:
Basal ganglia calcification, idiopathic, 7, autosomal recessive. Also called: PRIMARY FAMILIAL BRAIN CALCIFICATION 7, AUTOSOMAL RECESSIVE. Identifiers: MedGen C5193025, MONDO:0032673, OMIM 618317.

Allele frequency attached by ClinVar (database versions not stated): gnomAD exomes below 0.00001.
gnomAD v4.1: 1 of 1,612,268 alleles (0.000062%); highest among the groups gnomAD compares: Non-Finnish European, 0.000085%; no homozygotes.

Submissions (2):

3billion
Classification: Uncertain significance for Basal ganglia calcification, idiopathic, 7, autosomal recessive. Last evaluated: 2022-09-01. Review status: criteria provided, single submitter. Criteria: ACMG Guidelines, 2015. Collection method: clinical testing. Allele origin: germline. Affected: yes. Observed: 1 heterozygote.
Comment: The variant is not observed in the gnomAD v2.1.1 dataset. While this variant results in missense change, protein truncation variants are a common disease-causing mechanism. In silico tool predictions suggest damaging effect of the variant on gene or gene product (REVEL: 0.71; 3Cnet: 0.90). Therefore, this variant is classified as uncertain significance according to the recommendation of ACMG/AMP guideline.

Labcorp Genetics (formerly Invitae), Labcorp
Classification: Uncertain significance. Last evaluated: 2021-10-09. Review status: criteria provided, single submitter. Criteria: Invitae Variant Classification Sherloc (09022015). Collection method: clinical testing. Allele origin: germline.
Comment: This variant has not been reported in the literature in individuals affected with KIAA1161-related conditions. This sequence change replaces tyrosine with cysteine at codon 490 of the KIAA1161 protein (p.Tyr490Cys). The tyrosine residue is highly conserved and there is a large physicochemical difference between tyrosine and cysteine. This variant is not present in population databases (ExAC no frequency). Algorithms developed to predict the effect of missense changes on protein structure and function are either unavailable or do not agree on the potential impact of this missense change (SIFT: "Deleterious"; PolyPhen-2: "Not Available"; Align-GVGD: "Class C65"). In summary, the available evidence is currently insufficient to determine the role of this variant in disease. Therefore, it has been classified as a Variant of Uncertain Significance.